The following is an entry in ClinVar:

NM_024408.4(NOTCH2):c.6423G>C (p.Leu2141=)

Gene: NOTCH2 (notch receptor 2; minus strand). Cytogenetic location: 1p12.
Variant type: single nucleotide variant.
Coding change: c.6423G>C on transcript NM_024408.4 (MANE Select); coding-DNA position 6423, G replaced by C.
Protein change: p.Leu2141=; no amino-acid change (leucine 2141 retained).
Molecular consequence: synonymous variant.
Genome position (GRCh38, 1-based): chr1:119,916,299, C>G on the plus strand (G>C on the coding strand, the complement: NOTCH2 is on the minus strand). VCF-style: chr1-119916299-C-G. GRCh37 (hg19) VCF-style: chr1-120458922-C-G.
Other names: c.6423G>C (NM_024408.3).
Identifiers: ClinVar variation 1588619 (VCV001588619.10), dbSNP rs778180468, ClinGen allele CA1039428.
Genomic context (GRCh38, chr1:119,916,299, plus strand): 5'-AACATACGTGTGAGGAGATTCTAGGGAATCAACAGGGGATAAAGTTACTGAACTCTCAGA[C>G]AGTTGGACCTTCTCACTCAGAGACTTCTTCCTCCTACTACCCTTGGCATCCTTTGCCTCC-3'
Protein context (NP_077719.2, residues 2131-2151): RKKSLSEKVQ[Leu2141=]SESSVTLSPV

ClinVar aggregate classification (germline): Likely benign. Review status: criteria provided, multiple submitters, no conflicts (2 of 4 stars). 2 submissions from 2 submitters: Likely benign (2). Last evaluated 2026-01-15.

Conditions:
NOTCH2-related disorder. Also called: NOTCH2-related condition.
Hajdu-Cheney syndrome (HJCYS). Also called: ACROOSTEOLYSIS WITH OSTEOPOROSIS AND CHANGES IN SKULL AND MANDIBLE; Acroosteolysis dominant type; SERPENTINE FIBULA-POLYCYSTIC KIDNEY SYNDROME. Identifiers: Orphanet 955, MedGen C0917715, MONDO:0007057, OMIM 102500.

Allele frequency attached by ClinVar (database versions not stated): TOPMed below 0.00001; ExAC 0.00001; gnomAD 0.00001; gnomAD exomes 0.00001.
gnomAD v4.1: 6 of 1,614,100 alleles (0.00037%); highest among the groups gnomAD compares: East Asian, 0.0045%; no homozygotes.

Submissions (2):

PreventionGenetics, part of Exact Sciences
Classification: Likely benign for NOTCH2-related condition. Last evaluated: 2026-01-15. Review status: criteria provided, single submitter. Criteria: ACMG Guidelines, 2015. Collection method: clinical testing. Allele origin: germline.
Comment: This variant is classified as likely benign based on ACMG/AMP sequence variant interpretation guidelines (Richards et al. 2015 PMID: 25741868, with internal and published modifications).

Labcorp Genetics (formerly Invitae), Labcorp
Classification: Likely benign for Hajdu-Cheney syndrome. Last evaluated: 2025-09-25. Review status: criteria provided, single submitter. Criteria: Invitae Variant Classification Sherloc (09022015). Collection method: clinical testing. Allele origin: germline.